The following is an entry in ClinVar:

ClinVar aggregate classification (germline): Benign. Review status: criteria provided, multiple submitters, no conflicts (2 of 4 stars). 3 submissions from 3 submitters: Benign (2). 1 of the submissions does not count toward it. Last evaluated 2026-02-01.

Conditions:
CELSR2-related disorder. Also called: CELSR2-related condition.

Allele frequency attached by ClinVar (database versions not stated): TOPMed 0.30694; ESP Exome Variant Server 0.31467; gnomAD exomes 0.28215; 1000 Genomes Project 0.24501; 1000 Genomes Project 30x 0.24859; ExAC 0.28653; gnomAD 0.30921 and 0.31658.
gnomAD v4.1: 490,151 of 1,610,362 alleles (30%); highest among the groups gnomAD compares: African/African-American, 34%; 76,647 homozygotes.

Submissions (3):

Labcorp Genetics (formerly Invitae), Labcorp
Classification: Benign. Last evaluated: 2026-02-01. Review status: criteria provided, single submitter. Criteria: Invitae Variant Classification Sherloc (09022015). Collection method: clinical testing. Allele origin: germline.

Breakthrough Genomics
Classification: Benign. Review status: criteria provided, single submitter. Criteria: ACMG Guidelines, 2015. Collection method: not provided. Allele origin: germline. Inheritance: Unknown mechanism. Affected: yes.

PreventionGenetics, part of Exact Sciences
Classification: Benign for CELSR2-related condition. Last evaluated: 2019-10-21. Review status: no assertion criteria provided. Collection method: clinical testing. Allele origin: germline. Not counted in ClinVar's aggregate classification.
Comment: This variant is classified as benign based on ACMG/AMP sequence variant interpretation guidelines (Richards et al. 2015 PMID: 25741868, with internal and published modifications).

NM_001408.3(CELSR2):c.8055-10A>G

Gene: CELSR2 (cadherin EGF LAG seven-pass G-type receptor 2; plus strand). Cytogenetic location: 1p13.3.
Variant type: single nucleotide variant.
Coding change: c.8055-10A>G on transcript NM_001408.3 (MANE Select); 10 bases into the intron before coding-DNA position 8055, A replaced by G.
Molecular consequence: intron variant.
Genome position (GRCh38, 1-based): chr1:109,272,630, A>G. VCF-style: chr1-109272630-A-G. GRCh37 (hg19) VCF-style: chr1-109815252-A-G.
Other names: c.8055-10A>G (NM_001408.2).
Identifiers: ClinVar variation 1530644 (VCV001530644.11), dbSNP rs611917, ClinGen allele CA988465.